The following is an entry in ClinVar:

NM_000219.6(KCNE1):c.49T>A (p.Trp17Arg)

Gene: KCNE1 (potassium voltage-gated channel subfamily E regulatory subunit 1; minus strand). Cytogenetic location: 21q22.12.
Variant type: single nucleotide variant.
Coding change: c.49T>A on transcript NM_000219.6 (MANE Select); coding-DNA position 49, T replaced by A.
Protein change: p.Trp17Arg; replaces tryptophan 17 with arginine.
Molecular consequence: missense variant.
Genome position (GRCh38, 1-based): chr21:34,449,586, A>T on the plus strand (T>A on the coding strand, the complement: KCNE1 is on the minus strand). VCF-style: chr21-34449586-A-T. GRCh37 (hg19) VCF-style: chr21-35821884-A-T.
Other names: c.49T>A, p.Trp17Arg (NM_001127668.4, NM_001127669.4, NM_001127670.4 and 4 more transcripts); short protein forms W17R.
Identifiers: ClinVar variation 2825910 (VCV002825910.5), dbSNP rs1469858578, ClinGen allele CA410198582.

ClinVar aggregate classification (germline): Uncertain significance (1 of 4 stars; one submission).

Conditions:
Long QT syndrome (LQTS). Identifiers: MedGen C0023976, MeSH D008133, MONDO:0002442. Disease mechanism: loss of function. Inheritance: Various modes of inheritance.

Submissions (2):

Labcorp Genetics (formerly Invitae), Labcorp
Classification: Uncertain significance for Long QT syndrome. Last evaluated: 2023-01-02. Review status: criteria provided, single submitter. Criteria: Invitae Variant Classification Sherloc (09022015). Collection method: clinical testing. Allele origin: germline.
Comment: Advanced modeling of protein sequence and biophysical properties (such as structural, functional, and spatial information, amino acid conservation, physicochemical variation, residue mobility, and thermodynamic stability) has been performed at Invitae for this missense variant, however the output from this modeling did not meet the statistical confidence thresholds required to predict the impact of this variant on KCNE1 protein function. This variant has not been reported in the literature in individuals affected with KCNE1-related conditions. This variant is not present in population databases (gnomAD no frequency). This sequence change replaces tryptophan, which is neutral and slightly polar, with arginine, which is basic and polar, at codon 17 of the KCNE1 protein (p.Trp17Arg). In summary, the available evidence is currently insufficient to determine the role of this variant in disease. Therefore, it has been classified as a Variant of Uncertain Significance.

Roden Lab, Vanderbilt University Medical Center
No classification provided (evidence only). Condition: Long QT syndrome 5. Review status: no classification provided. Collection method: in vitro. Allele origin: not applicable. Functional consequence: Effect on ion channel function. Not counted in ClinVar's aggregate classification.
ClinVar note: "not provided" was previously submitted as the classification for the variant. However, the classification appeared to be based only on an observation of functional data so it was converted to no classification on 2025-07-30.